The following is an entry in ClinVar:

NM_002125.4(HLA-DRB5):c.198C>T (p.Asp66=)

Gene: HLA-DRB5 (major histocompatibility complex, class II, DR beta 5; minus strand). Cytogenetic location: 6p21.32.
Variant type: single nucleotide variant.
Coding change: c.198C>T on transcript NM_002125.4 (MANE Select); coding-DNA position 198, C replaced by T.
Protein change: p.Asp66=; no amino-acid change (aspartic acid 66 retained).
Molecular consequence: synonymous variant.
Genome position (GRCh38, 1-based): chr6:32,522,077, G>A on the plus strand (C>T on the coding strand, the complement: HLA-DRB5 is on the minus strand). VCF-style: chr6-32522077-G-A. GRCh37 (hg19) VCF-style: chr6-32489854-G-A.
Identifiers: ClinVar variation 3771280 (VCV003771280.13).
Genomic context (GRCh38, chr6:32,522,077, plus strand): 5'-GTCAGGCCGCCCCAGCTCCGTCACCGCCCGGTACTCCCCCACGTCGCTGTCGAAGCGCAA[G>A]TCCTCCTCTTGGTTATAGATGTCTCTGTGCAGGAACCGCACCCGCTCCGTCCCGTTGAAG-3'
Protein context (NP_002116.2, residues 56-76): LHRDIYNQEE[Asp66=]LRFDSDVGEY

ClinVar aggregate classification (germline): Likely benign (1 of 4 stars; one submission).

Submission:

CeGaT Center for Human Genetics Tuebingen
Classification: Likely benign. Last evaluated: 2025-02-01. Review status: criteria provided, single submitter. Criteria: CeGaT Center For Human Genetics Tuebingen Variant Classification Criteria Version 2. Collection method: clinical testing. Allele origin: germline. Affected: yes. Observed: 2 variant alleles.
Comment: HLA-DRB5: BP4, BP7